The following is an entry in ClinVar:

NM_006231.4(POLE):c.2998G>A (p.Glu1000Lys)

Gene: POLE (DNA polymerase epsilon, catalytic subunit; minus strand). Cytogenetic location: 12q24.33.
Variant type: single nucleotide variant.
Coding change: c.2998G>A on transcript NM_006231.4 (MANE Select); coding-DNA position 2998, G replaced by A.
Protein change: p.Glu1000Lys; replaces glutamic acid 1000 with lysine.
Molecular consequence: missense variant.
Genome position (GRCh38, 1-based): chr12:132,661,031, C>T on the plus strand (G>A on the coding strand, the complement: POLE is on the minus strand). VCF-style: chr12-132661031-C-T. GRCh37 (hg19) VCF-style: chr12-133237617-C-T.
Other names: short protein forms E1000K.
Identifiers: ClinVar variation 4141125 (VCV004141125.1).
Genomic context (GRCh38, chr12:132,661,031, plus strand): 5'-TGCTGTACAGCACGTCCAGCCAGTAGTCAGCCACCTTGGCTACAGAGCCATACACCTCTT[C>T]CAGCGTGCTGCCCTTGAGGAAGGCCTCAAACACCGAGGATTGGAAGATCTTAATCAGCTG-3'
Protein context (NP_006222.2, residues 990-1010): FEAFLKGSTL[Glu1000Lys]EVYGSVAKVA

ClinVar aggregate classification (germline): Uncertain significance (1 of 4 stars; one submission).

Conditions:
Hereditary cancer-predisposing syndrome. Also called: Hereditary neoplastic syndrome; Neoplastic Syndromes, Hereditary; Tumor predisposition; Hereditary Cancer Syndrome. Identifiers: Orphanet 140162, MedGen C0027672, MeSH D009386, MONDO:0015356.

Submission:

Ambry Genetics
Classification: Uncertain significance for Hereditary cancer-predisposing syndrome. Last evaluated: 2025-06-21. Review status: criteria provided, single submitter. Criteria: Ambry Variant Classification Scheme 2023. Collection method: clinical testing. Allele origin: germline.
Comment: The p.E1000K variant (also known as c.2998G>A), located in coding exon 25 of the POLE gene, results from a G to A substitution at nucleotide position 2998. The glutamic acid at codon 1000 is replaced by lysine, an amino acid with similar properties. This amino acid position is conserved. In addition, the in silico prediction for this alteration is inconclusive. Based on the available evidence, the clinical significance of this variant remains unclear.